The following is an entry in ClinVar:

NM_032638.5(GATA2):c.508C>A (p.Leu170Ile)

Gene: GATA2 (GATA binding protein 2; minus strand). Cytogenetic location: 3q21.3.
Variant type: single nucleotide variant.
Coding change: c.508C>A on transcript NM_032638.5 (MANE Select); coding-DNA position 508, C replaced by A.
Protein change: p.Leu170Ile; replaces leucine 170 with isoleucine.
Molecular consequence: missense variant.
Genome position (GRCh38, 1-based): chr3:128,486,090, G>T on the plus strand (C>A on the coding strand, the complement: GATA2 is on the minus strand). VCF-style: chr3-128486090-G-T. GRCh37 (hg19) VCF-style: chr3-128204933-G-T.
Other names: c.508C>A, p.Leu170Ile (NM_001145661.2, NM_001145662.1); short protein forms L170I.
Identifiers: ClinVar variation 951406 (VCV000951406.9), dbSNP rs2068693988, ClinGen allele CA354406622.

ClinVar aggregate classification (germline): Uncertain significance (1 of 4 stars; one submission).

Conditions:
Monocytopenia with susceptibility to infections. Also called: MONOCYTOPENIA AND MYCOBACTERIAL INFECTION SYNDROME; MONOCYTOPENIA WITH SUSCEPTIBILITY TO MYCOBACTERIAL, FUNGAL, AND PAPILLOMAVIRUS INFECTIONS AND MYELODYSPLASIA; COMBINED IMMUNODEFICIENCY WITH SUSCEPTIBILITY TO MYCOBACTERIAL, VIRAL, AND FUNGAL INFECTIONS; Dendritic cell, monocyte, B lymphocyte, and natural killer lymphocyte deficiency; IMMUNODEFICIENCY 21; GATA2 DEFICIENCY. Identifiers: Orphanet 228423, MedGen C3280030, MONDO:0013607, OMIM 614172.
Deafness-lymphedema-leukemia syndrome. Also called: Lymphedema, primary, with myelodysplasia; Emberger syndrome. Identifiers: Orphanet 3226, MedGen C3279664, MONDO:0013540, OMIM 614038.

Allele frequency attached by ClinVar (database versions not stated): gnomAD exomes below 0.00001.

Submission:

Labcorp Genetics (formerly Invitae), Labcorp
Classification: Uncertain significance for Monocytopenia with susceptibility to infections; Deafness-lymphedema-leukemia syndrome. Last evaluated: 2019-06-28. Review status: criteria provided, single submitter. Criteria: Invitae Variant Classification Sherloc (09022015). Collection method: clinical testing. Allele origin: germline.
Comment: In summary, the available evidence is currently insufficient to determine the role of this variant in disease. Therefore, it has been classified as a Variant of Uncertain Significance. Algorithms developed to predict the effect of missense changes on protein structure and function are either unavailable or do not agree on the potential impact of this missense change (SIFT: "Tolerated"; PolyPhen-2: "Probably Damaging"; Align-GVGD: "Class C0"). This variant has not been reported in the literature in individuals with GATA2-related conditions. This variant is not present in population databases (ExAC no frequency). This sequence change replaces leucine with isoleucine at codon 170 of the GATA2 protein (p.Leu170Ile). The leucine residue is moderately conserved and there is a small physicochemical difference between leucine and isoleucine.